The following is an entry in ClinVar:

NM_001113378.2(FANCI):c.12G>C (p.Lys4Asn)

Gene: FANCI (FA complementation group I; plus strand). Cytogenetic location: 15q26.1.
Variant type: single nucleotide variant.
Coding change: c.12G>C on transcript NM_001113378.2 (MANE Select); coding-DNA position 12, G replaced by C.
Protein change: p.Lys4Asn; replaces lysine 4 with asparagine.
Molecular consequence: missense variant. On other transcripts: 5 prime UTR variant (1).
Genome position (GRCh38, 1-based): chr15:89,247,659, G>C. VCF-style: chr15-89247659-G-C. GRCh37 (hg19) VCF-style: chr15-89790890-G-C.
Other names: c.-263G>C (NM_001376910.1); c.12G>C, p.Lys4Asn (NM_001376911.1, NM_018193.3); short protein forms K4N.
Identifiers: ClinVar variation 1506003 (VCV001506003.8), dbSNP rs1222824065, ClinGen allele CA393736292.

ClinVar aggregate classification (germline): Uncertain significance (1 of 4 stars; one submission).

Conditions:
Fanconi anemia (FA). Also called: Fanconi's anemia. Identifiers: Orphanet 84, MedGen C0015625, MeSH D005199, MONDO:0019391.

Submission:

Labcorp Genetics (formerly Invitae), Labcorp
Classification: Uncertain significance for Fanconi anemia. Last evaluated: 2021-04-06. Review status: criteria provided, single submitter. Criteria: Invitae Variant Classification Sherloc (09022015). Collection method: clinical testing. Allele origin: germline.
Comment: This variant has not been reported in the literature in individuals with FANCI-related conditions. In summary, the available evidence is currently insufficient to determine the role of this variant in disease. Therefore, it has been classified as a Variant of Uncertain Significance. Algorithms developed to predict the effect of missense changes on protein structure and function are either unavailable or do not agree on the potential impact of this missense change (SIFT: "Deleterious"; PolyPhen-2: "Possibly Damaging"; Align-GVGD: "Class C0"). This variant is not present in population databases (ExAC no frequency). This sequence change replaces lysine with asparagine at codon 4 of the FANCI protein (p.Lys4Asn). The lysine residue is moderately conserved and there is a moderate physicochemical difference between lysine and asparagine.